The following is an entry in ClinVar:

ClinVar aggregate classification (germline): Conflicting classifications of pathogenicity. Review status: criteria provided, conflicting classifications (1 of 4 stars). 3 submissions from 3 submitters: Uncertain significance (2); Likely benign (1). Last evaluated 2024-02-20.

Allele frequency attached by ClinVar (database versions not stated): gnomAD exomes 0.00005 and 0.00002; ExAC 0.00007.
gnomAD v4.1: 34 of 1,614,002 alleles (0.0021%); highest among the groups gnomAD compares: South Asian, 0.036%; 1 homozygote.

Submissions (3):

Ambry Genetics
Classification: Uncertain significance. Last evaluated: 2024-02-20. Review status: criteria provided, single submitter. Criteria: Ambry Variant Classification Scheme 2023. Collection method: clinical testing. Allele origin: germline.
Comment: The p.A143T variant (also known as c.427G>A), located in coding exon 2 of the GALNT12 gene, results from a G to A substitution at nucleotide position 427. The alanine at codon 143 is replaced by threonine, an amino acid with similar properties. This amino acid position is highly conserved in available vertebrate species. In addition, this alteration is predicted to be tolerated by in silico analysis. Since supporting evidence is limited at this time, the clinical significance of this alteration remains unclear.

Quest Diagnostics Nichols Institute San Juan Capistrano
Classification: Likely benign. Last evaluated: 2023-08-11. Review status: criteria provided, single submitter. Criteria: Quest Diagnostics criteria. Collection method: clinical testing. Allele origin: unknown.

Labcorp Genetics (formerly Invitae), Labcorp
Classification: Uncertain significance. Last evaluated: 2020-06-28. Review status: criteria provided, single submitter. Criteria: Invitae Variant Classification Sherloc (09022015). Collection method: clinical testing. Allele origin: germline.
Comment: This variant is present in population databases (rs765088669, ExAC 0.05%), and has an allele count higher than expected for a pathogenic variant (PMID: 28166811). This sequence change replaces alanine with threonine at codon 143 of the GALNT12 protein (p.Ala143Thr). The alanine residue is highly conserved and there is a small physicochemical difference between alanine and threonine. This variant has not been reported in the literature in individuals with GALNT12-related conditions. In summary, the available evidence is currently insufficient to determine the role of this variant in disease. Therefore, it has been classified as a Variant of Uncertain Significance. Algorithms developed to predict the effect of missense changes on protein structure and function output the following: SIFT: "Deleterious"; PolyPhen-2: "Benign"; Align-GVGD: "Class C0". The threonine amino acid residue is found in multiple mammalian species, suggesting that this missense change does not adversely affect protein function. These predictions have not been confirmed by published functional studies and their clinical significance is uncertain.

Literature cited by the submitters: PubMed 28166811 (cited by Labcorp Genetics (formerly Invitae), Labcorp).

NM_024642.5(GALNT12):c.427G>A (p.Ala143Thr)

Gene: GALNT12 (polypeptide N-acetylgalactosaminyltransferase 12; plus strand). Cytogenetic location: 9q22.33.
Variant type: single nucleotide variant.
Coding change: c.427G>A on transcript NM_024642.5 (MANE Select); coding-DNA position 427, G replaced by A.
Protein change: p.Ala143Thr; replaces alanine 143 with threonine.
Molecular consequence: missense variant.
Genome position (GRCh38, 1-based): chr9:98,823,311, G>A. VCF-style: chr9-98823311-G-A. GRCh37 (hg19) VCF-style: chr9-101585593-G-A.
Other names: short protein forms A143T.
Identifiers: ClinVar variation 1024499 (VCV001024499.12), dbSNP rs765088669, ClinGen allele CA5153940.